The following is an entry in ClinVar:

ClinVar aggregate classification (germline): Uncertain significance. Review status: criteria provided, multiple submitters, no conflicts (2 of 4 stars). 2 submissions from 2 submitters: Uncertain significance (2). Last evaluated 2024-08-29.

Allele frequency attached by ClinVar (database versions not stated): gnomAD exomes below 0.00001 and 0.00001; TOPMed below 0.00001.
gnomAD v4.1: 3 of 1,612,962 alleles (0.00019%); highest among the groups gnomAD compares: Admixed American, 0.0017%; no homozygotes.

Submissions (2):

Ambry Genetics
Classification: Uncertain significance. Last evaluated: 2024-08-29. Review status: criteria provided, single submitter. Criteria: Ambry Variant Classification Scheme 2023. Collection method: clinical testing. Allele origin: germline.
Comment: The p.I168T variant (also known as c.503T>C), located in coding exon 4 of the RINT1 gene, results from a T to C substitution at nucleotide position 503. The isoleucine at codon 168 is replaced by threonine, an amino acid with similar properties. This amino acid position is highly conserved in available vertebrate species. In addition, this alteration is predicted to be tolerated by in silico analysis. The evidence for this gene-disease relationship is limited; therefore, the clinical significance of this alteration is unclear.

Labcorp Genetics (formerly Invitae), Labcorp
Classification: Uncertain significance. Last evaluated: 2022-05-21. Review status: criteria provided, single submitter. Criteria: Invitae Variant Classification Sherloc (09022015). Collection method: clinical testing. Allele origin: germline.
Comment: In summary, the available evidence is currently insufficient to determine the role of this variant in disease. Therefore, it has been classified as a Variant of Uncertain Significance. This sequence change replaces isoleucine, which is neutral and non-polar, with threonine, which is neutral and polar, at codon 168 of the RINT1 protein (p.Ile168Thr). This variant is present in population databases (no rsID available, gnomAD 0.003%). This variant has not been reported in the literature in individuals affected with RINT1-related conditions. Algorithms developed to predict the effect of missense changes on protein structure and function (SIFT, PolyPhen-2, Align-GVGD) all suggest that this variant is likely to be tolerated. Experimental studies have shown that this missense change affects RINT1 function (PMID: 28264000).

Literature cited by the submitters: PubMed 28264000 (cited by Labcorp Genetics (formerly Invitae), Labcorp).

NM_021930.6(RINT1):c.503T>C (p.Ile168Thr)

Gene: RINT1 (RAD50 interactor 1; plus strand). Cytogenetic location: 7q22.3.
Variant type: single nucleotide variant.
Coding change: c.503T>C on transcript NM_021930.6 (MANE Select); coding-DNA position 503, T replaced by C.
Protein change: p.Ile168Thr; replaces isoleucine 168 with threonine.
Molecular consequence: missense variant. On other transcripts: 5 prime UTR variant (3), non-coding transcript variant (1).
Genome position (GRCh38, 1-based): chr7:105,542,637, T>C. VCF-style: chr7-105542637-T-C. GRCh37 (hg19) VCF-style: chr7-105183084-T-C.
Other names: c.503T>C (NM_021930.4); c.269T>C, p.Ile90Thr (NM_001346599.2); c.-517T>C (NM_001346600.2); c.-420T>C (NM_001346601.2); c.-40T>C (NM_001346603.2); short protein forms I90T, I168T.
Identifiers: ClinVar variation 1476494 (VCV001476494.9), dbSNP rs1163153405, ClinGen allele CA368803931.